The following is an entry in ClinVar:

NM_020738.4(KIDINS220):c.3920G>A (p.Arg1307His)

Gene: KIDINS220 (kinase D interacting substrate 220; minus strand). Cytogenetic location: 2p25.1.
Variant type: single nucleotide variant.
Coding change: c.3920G>A on transcript NM_020738.4 (MANE Select); coding-DNA position 3920, G replaced by A.
Protein change: p.Arg1307His; replaces arginine 1307 with histidine.
Molecular consequence: missense variant. On other transcripts: non-coding transcript variant (2).
Genome position (GRCh38, 1-based): chr2:8,733,577, C>T on the plus strand (G>A on the coding strand, the complement: KIDINS220 is on the minus strand). VCF-style: chr2-8733577-C-T. GRCh37 (hg19) VCF-style: chr2-8873707-C-T.
Other names: c.3923G>A, p.Arg1308His (NM_001348729.2); c.3866G>A, p.Arg1289His (NM_001348731.2); c.3863G>A, p.Arg1288His (NM_001348732.2, NM_001348738.2); c.3752G>A, p.Arg1251His (NM_001348734.2, NM_001348739.2, NM_001348740.2); c.3749G>A, p.Arg1250His (NM_001348735.2, NM_001348741.2, NM_001348742.2 and 1 more transcripts); c.3623G>A, p.Arg1208His (NM_001348736.2); c.3920G>A (NM_020738.2); short protein forms R1208H, R1250H, R1251H, R1288H, R1289H, R1307H, R1308H.
Identifiers: ClinVar variation 3779793 (VCV003779793.2).

ClinVar aggregate classification (germline): Uncertain significance. Review status: criteria provided, multiple submitters, no conflicts (2 of 4 stars). 2 submissions from 2 submitters: Uncertain significance (2). Last evaluated 2026-06-27.

Conditions:
Ventriculomegaly and arthrogryposis. Identifiers: MedGen C5561973, MONDO:0859184, OMIM 619501.
KIDINS220-related disorder. Also called: KIDINS220-related condition.

gnomAD v4.1: 250 of 1,613,994 alleles (0.015%); highest among the groups gnomAD compares: East Asian, 0.53%; 2 homozygotes.

Submissions (2):

PreventionGenetics, part of Exact Sciences
Classification: Uncertain significance for KIDINS220-related condition. Last evaluated: 2026-06-27. Review status: criteria provided, single submitter. Criteria: ACMG Guidelines, 2015. Collection method: clinical testing. Allele origin: germline.
Comment: The KIDINS220 c.3920G>A variant is predicted to result in the amino acid substitution p.Arg1307His. To our knowledge, this variant has not been reported in the literature. This variant is reported in 0.045% of alleles in individuals of East Asian descent in gnomAD. At this time, the clinical significance of this variant is uncertain due to the absence of conclusive functional and genetic evidence.

Department of Pathology and Laboratory Medicine, Sinai Health System
Classification: Uncertain significance for ventriculomegaly and arthrogryposis. Last evaluated: 2021-03-23. Review status: criteria provided, single submitter. Criteria: ACMG Guidelines, 2015. Collection method: research. Allele origin: germline.